The following is an entry in ClinVar:

NM_001042492.3(NF1):c.6958G>A (p.Val2320Met)

Gene: NF1 (neurofibromin 1; plus strand). Cytogenetic location: 17q11.2.
Variant type: single nucleotide variant.
Coding change: c.6958G>A on transcript NM_001042492.3 (MANE Select); coding-DNA position 6958, G replaced by A.
Protein change: p.Val2320Met; replaces valine 2320 with methionine.
Molecular consequence: missense variant.
Genome position (GRCh38, 1-based): chr17:31,340,541, G>A. VCF-style: chr17-31340541-G-A. GRCh37 (hg19) VCF-style: chr17-29667559-G-A.
Other names: c.6895G>A, p.Val2299Met (NM_000267.4); short protein forms V2320M, V2299M.
Identifiers: ClinVar variation 457814 (VCV000457814.6), dbSNP rs766323701, ClinGen allele CA8487469.

ClinVar aggregate classification (germline): Conflicting classifications of pathogenicity. Review status: criteria provided, conflicting classifications (1 of 4 stars). 2 submissions from 2 submitters: Uncertain significance (1); Likely benign (1). Last evaluated 2025-09-21.

Conditions:
Neurofibromatosis, type 1 (NF1). Also called: VON RECKLINGHAUSEN DISEASE; NEUROFIBROMATOSIS, TYPE I, SOMATIC; Peripheral type neurofibromatosis; Neurofibromatosis, type I. Identifiers: Orphanet 636, MedGen C0027831, MONDO:0018975, OMIM 162200. Disease mechanism: loss of function.
Cardiovascular phenotype. Identifiers: MedGen CN230736.
Hereditary cancer-predisposing syndrome. Also called: Hereditary Cancer Syndrome; Hereditary neoplastic syndrome; Tumor predisposition; Neoplastic Syndromes, Hereditary. Identifiers: Orphanet 140162, MedGen C0027672, MeSH D009386, MONDO:0015356.

Allele frequency attached by ClinVar (database versions not stated): gnomAD exomes below 0.00001; TOPMed below 0.00001; ExAC 0.00001; gnomAD 0.00001.
gnomAD v4.1: 1 of 1,614,010 alleles (0.000062%); highest among the groups gnomAD compares: Non-Finnish European, 0.000085%; no homozygotes.

Submissions (2):

Labcorp Genetics (formerly Invitae), Labcorp
Classification: Uncertain significance for Neurofibromatosis, type 1. Last evaluated: 2025-09-21. Review status: criteria provided, single submitter. Criteria: Invitae Variant Classification Sherloc (09022015). Collection method: clinical testing. Allele origin: germline.
Comment: This sequence change replaces valine, which is neutral and non-polar, with methionine, which is neutral and non-polar, at codon 2299 of the NF1 protein (p.Val2299Met). This variant is not present in population databases (gnomAD no frequency). This variant has not been reported in the literature in individuals affected with NF1-related conditions. ClinVar contains an entry for this variant (Variation ID: 457814). Invitae Evidence Modeling of protein sequence and biophysical properties (such as structural, functional, and spatial information, amino acid conservation, physicochemical variation, residue mobility, and thermodynamic stability) indicates that this missense variant is not expected to disrupt NF1 protein function with a negative predictive value of 95%. In summary, the available evidence is currently insufficient to determine the role of this variant in disease. Therefore, it has been classified as a Variant of Uncertain Significance.

Ambry Genetics
Classification: Likely benign for Cardiovascular phenotype; Hereditary cancer-predisposing syndrome. Last evaluated: 2024-02-08. Review status: criteria provided, single submitter. Criteria: Ambry Variant Classification Scheme 2023. Collection method: clinical testing. Allele origin: germline.